The following is an entry in ClinVar:

NM_002880.4(RAF1):c.130_145del (p.Asp44fs)

Gene: RAF1 (Raf-1 proto-oncogene, serine/threonine kinase; minus strand). Cytogenetic location: 3p25.2.
Variant type: Deletion.
Coding change: c.130_145del on transcript NM_002880.4 (MANE Select); coding-DNA positions 130 to 145, 16 bases deleted (GATGATGGCAAACTCA).
Protein change: p.Asp44fs; shifts the reading frame from aspartic acid 44.
Molecular consequence: frameshift variant. On other transcripts: initiator codon variant (4), non-coding transcript variant (3).
Genome position (GRCh38, 1-based): chr3:12,618,577-12,618,592, TGAGTTTGCCATCATC deleted on the plus strand (GATGATGGCAAACTCA on the coding strand, the reverse complement: RAF1 is on the minus strand); deleting any 16 consecutive bases within chr3:12,618,577-12,618,595 gives the same sequence; the c. name uses the placement nearest the transcript's 3' end. VCF-style (leftmost placement, unchanged base first): chr3-12618576-GTGAGTTTGCCATCATC-G. GRCh37 (hg19) VCF-style: chr3-12660075-GTGAGTTTGCCATCATC-G.
Other names: c.130_145del, p.Asp44fs (NM_001354689.3, NM_001354690.3, NM_001354693.3); c.-1_15del, p.Met1fs (NM_001354691.3, NM_001354692.3, NM_001354694.3 and 1 more transcripts); short protein forms D44fs, M1fs.
Identifiers: ClinVar variation 3655022 (VCV003655022.2).
Genomic context (GRCh38, chr3:12,618,576, plus strand): 5'-ACTGTTCTTTGCTTGTTCGGCAAGAAAACACGGATAGTGTTGCTTGTCTTAGAAGGATCT[GTGAGTTTGCCATCATC>G]TGATGCCCGGCGCTGATAGCCAAACTGCTGAACTATTGTAGGAGAGATGCAGCTGGAGCC-3'

ClinVar aggregate classification (germline): Uncertain significance (1 of 4 stars; one submission).

Conditions:
RASopathy. Also called: rasopathies; Noonan spectrum disorder. Identifiers: Orphanet 536391, MedGen C5555857, MONDO:0021060.

Submission:

Labcorp Genetics (formerly Invitae), Labcorp
Classification: Uncertain significance for RASopathy. Last evaluated: 2024-05-29. Review status: criteria provided, single submitter. Criteria: Invitae Variant Classification Sherloc (09022015). Collection method: clinical testing. Allele origin: germline.
Comment: This sequence change creates a premature translational stop signal (p.Asp44Glnfs*28) in the RAF1 gene. It is expected to result in an absent or disrupted protein product. However, the current clinical and genetic evidence is not sufficient to establish whether loss-of-function variants in RAF1 cause disease. This variant is not present in population databases (gnomAD no frequency). This variant has not been reported in the literature in individuals affected with RAF1-related conditions. In summary, the available evidence is currently insufficient to determine the role of this variant in disease. Therefore, it has been classified as a Variant of Uncertain Significance.